The following is an entry in ClinVar:

NM_016373.4(WWOX):c.321C>G (p.Tyr107Ter)

Gene: WWOX (WW domain containing oxidoreductase; plus strand). Cytogenetic location: 16q23.1.
Variant type: single nucleotide variant.
Coding change: c.321C>G on transcript NM_016373.4 (MANE Select); coding-DNA position 321, C replaced by G.
Protein change: p.Tyr107Ter; replaces tyrosine 107 with a stop codon.
Molecular consequence: nonsense. On other transcripts: 5 prime UTR variant (1), non-coding transcript variant (1).
Genome position (GRCh38, 1-based): chr16:78,115,066, C>G. VCF-style: chr16-78115066-C-G. GRCh37 (hg19) VCF-style: chr16-78148963-C-G.
Other names: c.-19C>G (NM_001291997.2); c.321C>G, p.Tyr107Ter (NM_130791.5); short protein forms Y107*.
Identifiers: ClinVar variation 1072064 (VCV001072064.8), dbSNP rs373306276, ClinGen allele CA8183155.

ClinVar aggregate classification (germline): Pathogenic. Review status: criteria provided, multiple submitters, no conflicts (2 of 4 stars). 2 submissions from 2 submitters: Pathogenic (2). Last evaluated 2024-09-20.

Conditions:
Developmental and epileptic encephalopathy, 28 (DEE28). Also called: Epileptic encephalopathy, early infantile, 28. Identifiers: Orphanet 442835, MedGen C4015519, MONDO:0014533, OMIM 616211.
Autosomal recessive spinocerebellar ataxia 12. Also called: SPINOCEREBELLAR ATAXIA WITH MENTAL RETARDATION AND EPILEPSY. Identifiers: Orphanet 284282, MedGen C3280452, MONDO:0013687, OMIM 614322.
Developmental and epileptic encephalopathy, 1 (DEE1). Also called: X-linked infantile spasms; West's syndrome; Tonic spasms with clustering, arrest of psychomotor development and hypsarrhythmia on EEG; X-Linked Infantile Spasm Syndrome; OHTAHARA SYNDROME, X-LINKED; INFANTILE SPASM SYNDROME, X-LINKED 1. Identifiers: MedGen C3463992, MONDO:0010632, OMIM 308350. Disease mechanism: loss of function.

gnomAD v4.1: 1 of 1,614,160 alleles (0.000062%); highest among the groups gnomAD compares: Non-Finnish European, 0.000085%; no homozygotes.

Submissions (2):

Kids Research, The Children's Hospital at Westmead
Classification: Pathogenic for Developmental and epileptic encephalopathy, 28. Last evaluated: 2024-09-20. Review status: criteria provided, single submitter. Criteria: ACMG Guidelines, 2015. Collection method: research. Allele origin: germline. Affected: yes.
Comment: PVS1, PM2, PP5, PM3_Strong

Labcorp Genetics (formerly Invitae), Labcorp
Classification: Pathogenic for Developmental and epileptic encephalopathy, 1; Autosomal recessive spinocerebellar ataxia 12. Last evaluated: 2020-09-01. Review status: criteria provided, single submitter. Criteria: Invitae Variant Classification Sherloc (09022015). Collection method: clinical testing. Allele origin: germline.
Comment: This variant is present in population databases (rs373306276, ExAC 0.001%). This sequence change creates a premature translational stop signal (p.Tyr107*) in the WWOX gene. It is expected to result in an absent or disrupted protein product. This variant has not been reported in the literature in individuals with WWOX-related conditions. For these reasons, this variant has been classified as Pathogenic. Loss-of-function variants in WWOX are known to be pathogenic (PMID: 24456803, 25411445).

Literature cited by the submitters: PubMed 24456803 (cited by Labcorp Genetics (formerly Invitae), Labcorp); PubMed 25411445 (cited by Labcorp Genetics (formerly Invitae), Labcorp).